The following is an entry in ClinVar:

NM_173537.5(GTF2IRD2):c.2478C>T (p.Ile826=)

Genes: GTF2IRD2 (GTF2I repeat domain containing 2; minus strand), LOC106029312 (Williams-Beuren syndrome medial block B recombination region; plus strand). Cytogenetic location: 7q11.23.
Variant type: single nucleotide variant.
Coding change: c.2478C>T on transcript NM_173537.5 (MANE Select); coding-DNA position 2478, C replaced by T.
Protein change: p.Ile826=; no amino-acid change (isoleucine 826 retained).
Molecular consequence: synonymous variant. On other transcripts: 3 prime UTR variant (4), non-coding transcript variant (8).
Genome position (GRCh38, 1-based): chr7:74,797,034, G>A on the plus strand (C>T on the coding strand, the complement: GTF2IRD2 is on the minus strand). VCF-style: chr7-74797034-G-A. GRCh37 (hg19) VCF-style: chr7-74211373-G-A.
Other names: c.2964C>T, p.Ile988= (NM_001368300.2); c.2493C>T, p.Ile831= (NM_001388079.1); c.2412C>T, p.Ile804= (NM_001388080.1); c.2400C>T, p.Ile800= (NM_001388081.1); c.2343C>T, p.Ile781= (NM_001388082.1); c.2265C>T, p.Ile755= (NM_001388083.1, NM_001388084.1); c.1983C>T, p.Ile661= (NM_001388085.1); c.1902C>T, p.Ile634= (NM_001388086.1); and 3 more.
Identifiers: ClinVar variation 4280847 (VCV004280847.7).
Genomic context (GRCh38, chr7:74,797,034, plus strand): 5'-TTCGCTTTCGTAGAGTTTGAAATCAGACAGCCTTTTCTGGAATTCGGTCTGGAGTTCCGC[G>A]ATTTTGGGAATGTAGTTCAGGCCATCGCTTTCATTTCTGGAAGCCAATTTCAGGGTGGGA-3'
Protein context (NP_775808.4, residues 816-836): ESDGLNYIPK[Ile826=]AELQTEFQKR

ClinVar aggregate classification (germline): Likely benign (1 of 4 stars; one submission).

gnomAD v4.1: 229 of 758,420 alleles (0.03%); highest among the groups gnomAD compares: Non-Finnish European, 0.045%; no homozygotes.

Submission:

CeGaT Center for Human Genetics Tuebingen
Classification: Likely benign. Last evaluated: 2025-10-01. Review status: criteria provided, single submitter. Criteria: CeGaT Center For Human Genetics Tuebingen Variant Classification Criteria Version 2. Collection method: clinical testing. Allele origin: germline. Affected: yes. Observed: 1 variant allele.
Comment: GTF2IRD2: BP4, BP7